The following is an entry in ClinVar:

NM_012062.5(DNM1L):c.1503del (p.Phe501fs)

Gene: DNM1L (dynamin 1 like; plus strand). Cytogenetic location: 12p11.21.
Variant type: Deletion.
Coding change: c.1503del on transcript NM_012062.5 (MANE Select); coding-DNA position 1503, one base deleted (T; older notation c.1503delT).
Protein change: p.Phe501fs; shifts the reading frame from phenylalanine 501.
Molecular consequence: frameshift variant.
Genome position (GRCh38, 1-based): chr12:32,733,771, T deleted; the last of 3 consecutive T bases (chr12:32,733,769-32,733,771); deleting any one gives the same sequence. VCF-style (leftmost placement, unchanged base first): chr12-32733768-CT-C. GRCh37 (hg19) VCF-style: chr12-32886702-CT-C.
Other names: c.1503del, p.Phe501fs (NM_001278463.2, NM_005690.5, NM_012063.4); c.1542del, p.Phe514fs (NM_001278464.2, NM_001278465.2, NM_001330380.2); c.894del, p.Phe298fs (NM_001278466.2); short protein forms F298fs, F514fs, F501fs.
Identifiers: ClinVar variation 3729484 (VCV003729484.2).

ClinVar aggregate classification (germline): Pathogenic (1 of 4 stars; one submission).

Submission:

Labcorp Genetics (formerly Invitae), Labcorp
Classification: Pathogenic. Last evaluated: 2025-01-28. Review status: criteria provided, single submitter. Criteria: Invitae Variant Classification Sherloc (09022015). Collection method: clinical testing. Allele origin: germline.
Comment: This sequence change creates a premature translational stop signal (p.Phe501Leufs*7) in the DNM1L gene. It is expected to result in an absent or disrupted protein product. Loss-of-function variants in DNM1L are known to be pathogenic (PMID: 26825290, 27328748). This variant is not present in population databases (gnomAD no frequency). This variant has not been reported in the literature in individuals affected with DNM1L-related conditions. For these reasons, this variant has been classified as Pathogenic.

Literature cited by the submitters: PubMed 26825290; PubMed 27328748.